The following is an entry in ClinVar:

ClinVar aggregate classification (germline): Uncertain significance (1 of 4 stars; one submission).

Conditions:
Hereditary cancer-predisposing syndrome. Also called: Hereditary Cancer Syndrome; Hereditary neoplastic syndrome; Neoplastic Syndromes, Hereditary; Tumor predisposition. Identifiers: Orphanet 140162, MedGen C0027672, MeSH D009386, MONDO:0015356.

Submission:

Ambry Genetics
Classification: Uncertain significance for Hereditary cancer-predisposing syndrome. Last evaluated: 2021-12-11. Review status: criteria provided, single submitter. Criteria: Ambry Variant Classification Scheme 2023. Collection method: clinical testing. Allele origin: germline.
Comment: The p.M451L variant (also known as c.1351A>T), located in coding exon 10 of the POLD1 gene, results from an A to T substitution at nucleotide position 1351. The methionine at codon 451 is replaced by leucine, an amino acid with highly similar properties. This amino acid position is conserved. In addition, this alteration is predicted to be tolerated by in silico analysis. Since supporting evidence is limited at this time, the clinical significance of this alteration remains unclear.

NM_002691.4(POLD1):c.1351A>T (p.Met451Leu)

Gene: POLD1 (DNA polymerase delta 1, catalytic subunit; plus strand). Cytogenetic location: 19q13.33.
Variant type: single nucleotide variant.
Coding change: c.1351A>T on transcript NM_002691.4 (MANE Select); coding-DNA position 1351, A replaced by T.
Protein change: p.Met451Leu; replaces methionine 451 with leucine.
Molecular consequence: missense variant. On other transcripts: non-coding transcript variant (1).
Genome position (GRCh38, 1-based): chr19:50,406,290, A>T. VCF-style: chr19-50406290-A-T. GRCh37 (hg19) VCF-style: chr19-50909547-A-T.
Other names: c.1351A>T, p.Met451Leu (NM_001256849.1, NM_001308632.1); short protein forms M451L.
Identifiers: ClinVar variation 1770610 (VCV001770610.2), dbSNP rs1601215798, ClinGen allele CA406979928.